The following is an entry in ClinVar:

ClinVar aggregate classification (germline): Likely benign. Review status: criteria provided, multiple submitters, no conflicts (2 of 4 stars). 2 submissions from 2 submitters: Likely benign (2). Last evaluated 2018-06-14.

Allele frequency attached by ClinVar (database versions not stated): 1000 Genomes Project 0.00499; 1000 Genomes Project 30x 0.00531; TOPMed 0.01346; gnomAD 0.01401 and 0.01434.
gnomAD v4.1: 2,126 of 152,032 alleles (1.4%); highest among the groups gnomAD compares: Non-Finnish European, 2.2%; 28 homozygotes.

Submissions (2):

GeneDx
Classification: Likely benign. Last evaluated: 2018-06-14. Review status: criteria provided, single submitter. Criteria: GeneDx Variant Classification (06012015). Collection method: clinical testing. Allele origin: germline. Affected: yes.
Comment: This variant is considered likely benign or benign based on one or more of the following criteria: it is a conservative change, it occurs at a poorly conserved position in the protein, it is predicted to be benign by multiple in silico algorithms, and/or has population frequency not consistent with disease.

Breakthrough Genomics
Classification: Likely benign. Review status: criteria provided, single submitter. Criteria: ACMG Guidelines, 2015. Collection method: not provided. Allele origin: germline. Inheritance: Autosomal dominant inheritance. Affected: yes.

NM_201596.3(CACNB2):c.670+232G>A

Gene: CACNB2 (calcium voltage-gated channel auxiliary subunit beta 2; plus strand). Cytogenetic location: 10p12.31.
Variant type: single nucleotide variant.
Coding change: c.670+232G>A on transcript NM_201596.3 (MANE Select); 232 bases into the intron after coding-DNA position 670, G replaced by A.
Molecular consequence: intron variant.
Genome position (GRCh38, 1-based): chr10:18,506,779, G>A. VCF-style: chr10-18506779-G-A. GRCh37 (hg19) VCF-style: chr10-18795708-G-A.
Other names: c.586+232G>A (NM_201571.4, NM_001167945.2, NM_201572.4); c.670+232G>A (NM_201593.3, NM_201597.3); c.505+232G>A (NM_000724.4, NM_001330060.2); c.508+232G>A (NM_201590.3); c.526+232G>A (NM_201570.3).
Identifiers: ClinVar variation 678717 (VCV000678717.2), dbSNP rs12772518, ClinGen allele CA13260804.
Genomic context (GRCh38, chr10:18,506,779, plus strand): 5'-TTTTTTTCTGGCTGGAAAAAGAAGTATGTCAAAGTGTTTACATTGCTGTAGATGATCAAA[G>A]TGATTAATGTATTTATTTATTTATTTATTTATTTTTTTGAGACAGAGTCTCACTCTATTG-3'